The following is an entry in ClinVar:

NM_002047.4(GARS1):c.481ATT[1] (p.Ile162del)

Gene: GARS1 (glycyl-tRNA synthetase 1; plus strand). Cytogenetic location: 7p14.3.
Variant type: Microsatellite.
Coding change: c.481ATT[1] on transcript NM_002047.4 (MANE Select); one copy of the 3-base unit ATT starting at c.481; the reference has two copies in a row; one copy, 3 bases deleted.
Protein change: p.Ile162del; deletes isoleucine 162.
Molecular consequence: inframe deletion. On other transcripts: inframe indel (2).
Genome position (GRCh38, 1-based): chr7:30,601,115-30,601,117, ATT deleted; deleting any 3 consecutive bases within chr7:30,601,111-30,601,117 gives the same sequence; the position shown is the placement nearest the transcript's 3' end. VCF-style (leftmost placement, unchanged base first): chr7-30601110-ATAT-A. GRCh37 (hg19) VCF-style: chr7-30640726-ATAT-A.
Other names: c.319ATT[1], p.Ile108del (NM_001316772.1); c.481_483ATT[1], p.Ile162del (NM_002047.2); c.484_486delATT (NM_002047.2); short protein forms I108del, I162del.
Identifiers: ClinVar variation 2545126 (VCV002545126.2), dbSNP rs2534290519, ClinGen allele CA2580615869.

ClinVar aggregate classification (germline): Uncertain significance (1 of 4 stars; one submission).

Submission:

Ambry Genetics
Classification: Uncertain significance. Last evaluated: 2023-05-25. Review status: criteria provided, single submitter. Criteria: Ambry Variant Classification Scheme 2023. Collection method: clinical testing. Allele origin: germline.
Comment: The c.484_486delATT (p.I162del) alteration is located in exon 4 (coding exon 4) of the GARS gene. This alteration consists of an in-frame deletion of 3 nucleotides between nucleotide positions c.484 and c.486, resulting in the deletion of <NA> residues. Based on insufficient or conflicting evidence, the clinical significance of this alteration remains unclear.